The following is an entry in ClinVar:

ClinVar aggregate classification (germline): Likely pathogenic. Review status: criteria provided, multiple submitters, no conflicts (2 of 4 stars). 5 submissions from 5 submitters: Likely pathogenic (3). 2 of the submissions do not count toward it. Last evaluated 2024-01-27.

Conditions:
Epidermolysis bullosa, junctional 4, intermediate. Also called: EPIDERMOLYSIS BULLOSA, JUNCTIONAL 4, NON-HERLITZ TYPE; EPIDERMOLYSIS BULLOSA, GENERALIZED ATROPHIC BENIGN; Epidermolysis bullosa, junctional, localisata variant. Identifiers: MedGen C2608084, MONDO:0030750, OMIM 619787.
Epithelial recurrent erosion dystrophy (ERED). Also called: CORNEAL EROSIONS, RECURRING HEREDITARY. Identifiers: Orphanet 293381, MedGen C1852551, MONDO:0007381, OMIM 122400.
Amelogenesis imperfecta type 1A. Also called: Amelogenesis imperfecta local hypoplastic; Amelogenesis imperfecta, hypoplastic type; AMELOGENESIS IMPERFECTA, HYPOPLASTIC TYPE IA; Amelogenesis imperfecta, type IA. Identifiers: Orphanet 88661, MedGen C4011403, MONDO:0007094, OMIM 104530.

Allele frequency attached by ClinVar (database versions not stated): gnomAD exomes 0.00006; TOPMed 0.00008; ExAC 0.00009; gnomAD 0.00009 and 0.00010.
gnomAD v4.1: 171 of 1,603,852 alleles (0.011%); highest among the groups gnomAD compares: Middle Eastern, 0.021%; no homozygotes.

Submissions (5):

Labcorp Genetics (formerly Invitae), Labcorp
Classification: Likely pathogenic. Last evaluated: 2024-01-27. Review status: criteria provided, single submitter. Criteria: Invitae Variant Classification Sherloc (09022015). Collection method: clinical testing. Allele origin: germline.
Comment: This sequence change affects a donor splice site in intron 47 of the COL17A1 gene. It is expected to disrupt RNA splicing. Variants that disrupt the donor or acceptor splice site typically lead to a loss of protein function (PMID: 16199547), and loss-of-function variants in COL17A1 are known to be pathogenic (PMID: 16473856, 17344927, 20301304, 21357940, 24319098). The frequency data for this variant in the population databases is considered unreliable, as metrics indicate poor data quality at this position in the gnomAD database. This variant has not been reported in the literature in individuals affected with COL17A1-related conditions. ClinVar contains an entry for this variant (Variation ID: 594239). Algorithms developed to predict the effect of sequence changes on RNA splicing suggest that this variant may disrupt the consensus splice site. In summary, the currently available evidence indicates that the variant is pathogenic, but additional data are needed to prove that conclusively. Therefore, this variant has been classified as Likely Pathogenic.

Department of Pathology and Laboratory Medicine, Sinai Health System
Classification: Likely pathogenic for Epithelial recurrent erosion dystrophy; Epidermolysis bullosa, junctional 4, intermediate. Last evaluated: 2023-07-17. Review status: criteria provided, single submitter. Criteria: ACMG Guidelines, 2015. Collection method: research. Allele origin: germline.

Eurofins Ntd Llc (ga)
Classification: Likely pathogenic. Last evaluated: 2017-09-26. Review status: criteria provided, single submitter. Criteria: EGL Classification Definitions 2015. Collection method: clinical testing. Allele origin: germline. Observed: 2 variant alleles, 2 heterozygotes.

Zotz-Klimas Genetics Lab, MVZ Zotz Klimas
Classification: Likely pathogenic for Epidermolysis bullosa, junctional 4, intermediate. Last evaluated: 2023-10-09. Review status: no assertion criteria provided. Collection method: clinical testing. Allele origin: germline. Affected: yes. Not counted in ClinVar's aggregate classification.

Leeds Amelogenesis Imperfecta Research Group, University of Leeds
Classification: Pathogenic for Amelogenesis imperfecta type 1A. Last evaluated: 2023-07-12. Review status: no assertion criteria provided. Collection method: research. Allele origin: unknown. Inheritance: Autosomal dominant inheritance. Affected: yes. Not counted in ClinVar's aggregate classification.

Literature cited by the submitters: PubMed 16199547 (cited by Labcorp Genetics (formerly Invitae), Labcorp); PubMed 16473856 (cited by Labcorp Genetics (formerly Invitae), Labcorp); PubMed 17344927 (cited by Labcorp Genetics (formerly Invitae), Labcorp); PubMed 20301304 (cited by Labcorp Genetics (formerly Invitae), Labcorp); PubMed 21357940 (cited by Labcorp Genetics (formerly Invitae), Labcorp); PubMed 24319098 (cited by Labcorp Genetics (formerly Invitae), Labcorp).

NM_000494.4(COL17A1):c.3277+1G>A

Gene: COL17A1 (collagen type XVII alpha 1 chain; minus strand). Cytogenetic location: 10q25.1.
Variant type: single nucleotide variant.
Coding change: c.3277+1G>A on transcript NM_000494.4 (MANE Select); the canonical splice donor site of the intron after coding-DNA position 3277, G replaced by A.
Molecular consequence: splice donor variant.
Genome position (GRCh38, 1-based): chr10:104,037,044, C>T on the plus strand (G>A on the coding strand, the complement: COL17A1 is on the minus strand). VCF-style: chr10-104037044-C-T. GRCh37 (hg19) VCF-style: chr10-105796802-C-T.
Identifiers: ClinVar variation 594239 (VCV000594239.11), dbSNP rs199527325, ClinGen allele CA5678045.